The following is an entry in ClinVar:

NM_001002294.3(FMO3):c.692G>A (p.Trp231Ter)

Gene: FMO3 (flavin containing dimethylaniline monoxygenase 3; plus strand). Cytogenetic location: 1q24.3.
Variant type: single nucleotide variant.
Coding change: c.692G>A on transcript NM_001002294.3 (MANE Select); coding-DNA position 692, G replaced by A.
Protein change: p.Trp231Ter; replaces tryptophan 231 with a stop codon.
Molecular consequence: nonsense.
Genome position (GRCh38, 1-based): chr1:171,110,862, G>A. VCF-style: chr1-171110862-G-A. GRCh37 (hg19) VCF-style: chr1-171080003-G-A.
Other names: c.632G>A, p.Trp211Ter (NM_001319173.2); c.503G>A, p.Trp168Ter (NM_001319174.2); c.692G>A, p.Trp231Ter (NM_006894.6); short protein forms W211*, W231*, W168*.
Identifiers: ClinVar variation 2852024 (VCV002852024.4), dbSNP rs1198164523, ClinGen allele CA343186136.

ClinVar aggregate classification (germline): Pathogenic. Review status: criteria provided, multiple submitters, no conflicts (2 of 4 stars). 2 submissions from 2 submitters: Pathogenic (2). Last evaluated 2026-05-24.

Conditions:
Trimethylaminuria (TMAU). Also called: FISH-ODOR SYNDROME; Primary Trimethylaminuria; Fish malodor syndrome; Stale fish syndrome; TMAuria. Identifiers: MedGen C0342739, MONDO:0011182, OMIM 602079, HP:0003614. Disease mechanism: loss of function.

Allele frequency attached by ClinVar (database versions not stated): gnomAD exomes below 0.00001.
gnomAD v4.1: 2 of 1,614,004 alleles (0.00012%); highest among the groups gnomAD compares: East Asian, 0.0045%; no homozygotes.

Submissions (2):

Myriad Genetics, Inc.
Classification: Pathogenic for Trimethylaminuria. Last evaluated: 2026-05-24. Review status: criteria provided, single submitter. Criteria: Myriad Autosomal Dominant, Autosomal Recessive and X-Linked Classification Criteria (2023). Collection method: clinical testing. Allele origin: unknown.
Comment: NM_001002294.2(FMO3):c.692G>A(W231*) is expected to be pathogenic in the context of primary trimethylaminuria. This variant is predicted to lead to an abnormal or absent protein product due to the creation of a premature termination codon in FMO3, a gene where loss-of-function variants are known to be pathogenic. Please note: this variant was assessed in the context of healthy population screening.

Labcorp Genetics (formerly Invitae), Labcorp
Classification: Pathogenic. Last evaluated: 2023-05-01. Review status: criteria provided, single submitter. Criteria: Invitae Variant Classification Sherloc (09022015). Collection method: clinical testing. Allele origin: germline.
Comment: For these reasons, this variant has been classified as Pathogenic. This premature translational stop signal has been observed in individual(s) with clinical features of trimethylaminuria (PMID: 35853340). This variant is present in population databases (no rsID available, gnomAD 0.01%). This sequence change creates a premature translational stop signal (p.Trp231*) in the FMO3 gene. It is expected to result in an absent or disrupted protein product. Loss-of-function variants in FMO3 are known to be pathogenic (PMID: 20301282).

Literature cited by the submitters: PubMed 35853340 (cited by Labcorp Genetics (formerly Invitae), Labcorp); PubMed 20301282 (cited by Labcorp Genetics (formerly Invitae), Labcorp).